The following is an entry in ClinVar:

NM_001267550.2(TTN):c.59536A>C (p.Asn19846His)

Genes: TTN-AS1 (TTN antisense RNA 1; plus strand), TTN (titin; minus strand), LOC126806424 (CDK7 strongly-dependent group 2 enhancer GRCh37_chr2:179456337-179457536; plus strand). Cytogenetic location: 2q31.2.
Variant type: single nucleotide variant.
Coding change: c.59536A>C on transcript NM_001267550.2 (MANE Select); coding-DNA position 59536, A replaced by C.
Protein change: p.Asn19846His; replaces asparagine 19846 with histidine.
Molecular consequence: missense variant.
Genome position (GRCh38, 1-based): chr2:178,592,469, T>G on the plus strand (A>C on the coding strand, the complement: TTN is on the minus strand). VCF-style: chr2-178592469-T-G. GRCh37 (hg19) VCF-style: chr2-179457196-T-G.
Other names: c.54613A>C, p.Asn18205His (NM_001256850.1); c.32341A>C, p.Asn10781His (NM_003319.4); c.51832A>C, p.Asn17278His (NM_133378.4); c.32716A>C, p.Asn10906His (NM_133432.3); c.32917A>C, p.Asn10973His (NM_133437.4); short protein forms N19846H, N10781H, N10973H, N10906H, N17278H, N18205H.
Identifiers: ClinVar variation 1729219 (VCV001729219.3), dbSNP rs749738999, ClinGen allele CA1992650.
Genomic context (GRCh38, chr2:178,592,469, plus strand): 5'-TTGAACCAGCTGGATTCTCCACTGTTAAAGAATAAATTCCACCATCTTCATGGGCAGCAT[T>G]ACGAATTTCAAGCTTGCTACCAACTGGAGTCACATCAATTCTTGCTTTAGTTGGAGCATC-3'
Protein context (NP_001254479.2, residues 19836-19856): TPVGSKLEIR[Asn19846His]AAHEDGGIYS

ClinVar aggregate classification (germline): Uncertain significance. Review status: criteria provided, multiple submitters, no conflicts (2 of 4 stars). 2 submissions from 2 submitters: Uncertain significance (2). Last evaluated 2024-04-01.

Conditions:
Cardiovascular phenotype. Identifiers: MedGen CN230736.

Allele frequency attached by ClinVar (database versions not stated): TOPMed below 0.00001; ExAC 0.00001; gnomAD exomes below 0.00001.
gnomAD v4.1: 2 of 1,613,530 alleles (0.00012%); highest among the groups gnomAD compares: Non-Finnish European, 0.00017%; no homozygotes.

Submissions (2):

Revvity Omics, Revvity
Classification: Uncertain significance. Last evaluated: 2024-04-01. Review status: criteria provided, single submitter. Criteria: ACMG Guidelines, 2015. Collection method: clinical testing. Allele origin: germline.

Ambry Genetics
Classification: Uncertain significance for Cardiovascular phenotype. Last evaluated: 2020-03-26. Review status: criteria provided, single submitter. Criteria: Ambry Variant Classification Scheme 2023. Collection method: clinical testing. Allele origin: germline.
Comment: The p.N10781H variant (also known as c.32341A>C), located in coding exon 128 of the TTN gene, results from an A to C substitution at nucleotide position 32341. The asparagine at codon 10781 is replaced by histidine, an amino acid with similar properties. This amino acid position is well conserved in available vertebrate species. In addition, this alteration is predicted to be tolerated by in silico analysis. Since supporting evidence is limited at this time, the clinical significance of this alteration remains unclear.